The following is an entry in ClinVar:

ClinVar aggregate classification (germline): Uncertain significance (1 of 4 stars; one submission).

Conditions:
Familial Mediterranean fever (FMF). Also called: POLYSEROSITIS, FAMILIAL PAROXYSMAL; POLYSEROSITIS, RECURRENT; Periodic peritonitis; Benign paroxysmal peritonitis. Identifiers: Orphanet 342, MedGen C0031069, MONDO:0018088, OMIM 249100. Disease mechanism: gain of function.

Submission:

Labcorp Genetics (formerly Invitae), Labcorp
Classification: Uncertain significance for Familial Mediterranean fever. Last evaluated: 2021-10-29. Review status: criteria provided, single submitter. Criteria: Invitae Variant Classification Sherloc (09022015). Collection method: clinical testing. Allele origin: germline.
Comment: This sequence change falls in intron 9 of the MEFV gene. It does not directly change the encoded amino acid sequence of the MEFV protein. It affects a nucleotide within the consensus splice site. This variant is not present in population databases (gnomAD no frequency). This variant has not been reported in the literature in individuals affected with MEFV-related conditions. Variants that disrupt the consensus splice site are a relatively common cause of aberrant splicing (PMID: 17576681, 9536098). Algorithms developed to predict the effect of sequence changes on RNA splicing suggest that this variant may disrupt the consensus splice site. In summary, the available evidence is currently insufficient to determine the role of this variant in disease. Therefore, it has been classified as a Variant of Uncertain Significance.

Literature cited by the submitters: PubMed 17576681; PubMed 9536098.

NM_000243.3(MEFV):c.1793-2A>C

Genes: MEFV (MEFV innate immunity regulator, pyrin; minus strand), LOC126862264 (CDK7 strongly-dependent group 2 enhancer GRCh37_chr16:3293322-3294521; plus strand). Cytogenetic location: 16p13.3.
Variant type: single nucleotide variant.
Coding change: c.1793-2A>C on transcript NM_000243.3 (MANE Select); the canonical splice acceptor site of the intron before coding-DNA position 1793, A replaced by C.
Molecular consequence: splice acceptor variant.
Genome position (GRCh38, 1-based): chr16:3,243,696, T>G on the plus strand (A>C on the coding strand, the complement: MEFV is on the minus strand). VCF-style: chr16-3243696-T-G. GRCh37 (hg19) VCF-style: chr16-3293696-T-G.
Other names: c.1335-2A>C (NM_001198536.2).
Identifiers: ClinVar variation 1482775 (VCV001482775.4), dbSNP rs2141665238, ClinGen allele CA394488676.
Genomic context (GRCh38, chr16:3,243,696, plus strand): 5'-CAGATCATCAGAGAAGATGAGGTTGGGGTAAGCGGTTTCTGCATCCAGAATCACATTAAC[T>G]GCAAAGAAAATTTGAATACCTAGGTAGGGGTCCATGGGCAACATCCCTACAGGGTTCTCC-3'